The following is an entry in ClinVar:

NM_000132.4(F8):c.5306G>A (p.Gly1769Glu)

Gene: F8 (coagulation factor VIII; minus strand). Cytogenetic location: Xq28.
Variant type: single nucleotide variant.
Coding change: c.5306G>A on transcript NM_000132.4 (MANE Select); coding-DNA position 5306, G replaced by A.
Protein change: p.Gly1769Glu; replaces glycine 1769 with glutamic acid.
Molecular consequence: missense variant.
Genome position (GRCh38, 1-based): chrX:154,906,487, C>T on the plus strand (G>A on the coding strand, the complement: F8 is on the minus strand). VCF-style: chrX-154906487-C-T. GRCh37 (hg19) VCF-style: chrX-154134762-C-T.
Other names: short protein forms G1769E.
Identifiers: ClinVar variation 3062175 (VCV003062175.2), dbSNP rs2523887223, ClinGen allele CA414910829.

ClinVar aggregate classification (germline): Likely pathogenic (1 of 4 stars; one submission).

Conditions:
Hereditary factor VIII deficiency disease (HEMA). Also called: HEMOPHILIA, CLASSIC; AUTOSOMAL HEMOPHILIA A; Hemophilia A; Hemophilia A, congenital; HEM A; Factor 8 deficiency, congenital. Identifiers: Orphanet 98878, MedGen C0019069, MONDO:0010602, OMIM 306700.

Submission:

Centre of Medical Genetics, University Hospital Muenster
Classification: Likely pathogenic for Hereditary factor VIII deficiency disease. Last evaluated: 2023-03-13. Review status: criteria provided, single submitter. Criteria: ACMG Guidelines, 2015. Collection method: clinical testing. Allele origin: unknown. Affected: yes. Observed: 1 variant allele, 1 heterozygote.
Comment: ACMG categories: PM1,PM2,PM5,PP2,PP3